The following is an entry in ClinVar:

NM_001126108.2(SLC12A3):c.1844C>A (p.Ser615Ter)

Gene: SLC12A3 (solute carrier family 12 member 3; plus strand). Cytogenetic location: 16q13.
Variant type: single nucleotide variant.
Coding change: c.1844C>A on transcript NM_001126108.2 (MANE Select); coding-DNA position 1844, C replaced by A.
Protein change: p.Ser615Ter; replaces serine 615 with a stop codon.
Molecular consequence: nonsense.
Genome position (GRCh38, 1-based): chr16:56,885,283, C>A. VCF-style: chr16-56885283-C-A. GRCh37 (hg19) VCF-style: chr16-56919195-C-A.
Other names: c.1844C>A, p.Ser615Ter (NM_000339.3); c.1841C>A, p.Ser614Ter (NM_001126107.2, NM_001410896.1); short protein forms S614*, S615*.
Identifiers: ClinVar variation 2132940 (VCV002132940.4), dbSNP rs779160677, ClinGen allele CA395991368.

ClinVar aggregate classification (germline): Pathogenic (1 of 4 stars; one submission).

Submission:

Labcorp Genetics (formerly Invitae), Labcorp
Classification: Pathogenic. Last evaluated: 2022-05-03. Review status: criteria provided, single submitter. Criteria: Invitae Variant Classification Sherloc (09022015). Collection method: clinical testing. Allele origin: germline.
Comment: For these reasons, this variant has been classified as Pathogenic. This sequence change creates a premature translational stop signal (p.Ser615*) in the SLC12A3 gene. It is expected to result in an absent or disrupted protein product. Loss-of-function variants in SLC12A3 are known to be pathogenic (PMID: 20848653, 22009145, 25841442). This variant has not been reported in the literature in individuals affected with SLC12A3-related conditions. This variant is not present in population databases (gnomAD no frequency).

Literature cited by the submitters: PubMed 20848653; PubMed 22009145; PubMed 25841442.